The following is an entry in ClinVar:

NM_000532.5(PCCB):c.1048del (p.Arg350fs)

Gene: PCCB (propionyl-CoA carboxylase subunit beta; plus strand). Cytogenetic location: 3q22.3.
Variant type: Deletion.
Coding change: c.1048del on transcript NM_000532.5 (MANE Select); coding-DNA position 1048, one base deleted (A; older notation c.1048delA).
Protein change: p.Arg350fs; shifts the reading frame from arginine 350.
Molecular consequence: frameshift variant.
Genome position (GRCh38, 1-based): chr3:136,317,022, A deleted. VCF-style (leftmost placement, unchanged base first): chr3-136317021-GA-G. GRCh37 (hg19) VCF-style: chr3-136035863-GA-G.
Other names: c.1108del, p.Arg370fs (NM_001178014.2); short protein forms R350fs, R370fs.
Identifiers: ClinVar variation 5013620 (VCV005013620.1).

ClinVar aggregate classification (germline): Pathogenic (1 of 4 stars; one submission).

Conditions:
Propionic acidemia (PROP). Also called: GLYCINEMIA, KETOTIC; HYPERGLYCINEMIA WITH KETOACIDOSIS AND LEUKOPENIA; KETOTIC HYPERGLYCINEMIA. Identifiers: Orphanet 35, MedGen C0268579, MONDO:0011628, OMIM 606054, HP:0003571.

Submission:

Myriad Genetics, Inc.
Classification: Pathogenic for Propionic acidemia. Last evaluated: 2024-10-06. Review status: criteria provided, single submitter. Criteria: Myriad Autosomal Dominant, Autosomal Recessive and X-Linked Classification Criteria (2023). Collection method: clinical testing. Allele origin: unknown.
Comment: NM_000532.4(PCCB):c.1048delA(R350Gfs*23) is expected to be pathogenic in the context of PCCB-related propionic acidemia. This variant is predicted to lead to an abnormal or absent protein product due to the creation of a premature termination codon in PCCB, a gene where loss-of-function variants are known to be pathogenic. Please note: this variant was assessed in the context of healthy population screening.